The following is an entry in ClinVar:

NM_001365088.1(SLC12A6):c.1089C>G (p.Ile363Met)

Gene: SLC12A6 (solute carrier family 12 member 6; minus strand). Cytogenetic location: 15q14.
Variant type: single nucleotide variant.
Coding change: c.1089C>G on transcript NM_001365088.1 (MANE Select); coding-DNA position 1089, C replaced by G.
Protein change: p.Ile363Met; replaces isoleucine 363 with methionine.
Molecular consequence: missense variant.
Genome position (GRCh38, 1-based): chr15:34,254,377, G>C on the plus strand (C>G on the coding strand, the complement: SLC12A6 is on the minus strand). VCF-style: chr15-34254377-G-C. GRCh37 (hg19) VCF-style: chr15-34546578-G-C.
Other names: c.912C>G, p.Ile304Met (NM_001042494.2, NM_001042495.2); c.1062C>G, p.Ile354Met (NM_001042496.2); c.1044C>G, p.Ile348Met (NM_001042497.2); c.936C>G, p.Ile312Met (NM_005135.2); c.1089C>G, p.Ile363Met (NM_133647.2); short protein forms I312M, I363M, I348M, I354M, I304M.
Identifiers: ClinVar variation 3706475 (VCV003706475.2).

ClinVar aggregate classification (germline): Uncertain significance (1 of 4 stars; one submission).

gnomAD v4.1: 15 of 1,613,668 alleles (0.00093%); highest among the groups gnomAD compares: Non-Finnish European, 0.0012%; no homozygotes.

Submission:

Labcorp Genetics (formerly Invitae), Labcorp
Classification: Uncertain significance. Last evaluated: 2024-10-19. Review status: criteria provided, single submitter. Criteria: Invitae Variant Classification Sherloc (09022015). Collection method: clinical testing. Allele origin: germline.
Comment: This sequence change replaces isoleucine, which is neutral and non-polar, with methionine, which is neutral and non-polar, at codon 363 of the SLC12A6 protein (p.Ile363Met). This variant is present in population databases (rs764378544, gnomAD 0.002%). This variant has not been reported in the literature in individuals affected with SLC12A6-related conditions. Invitae Evidence Modeling of protein sequence and biophysical properties (such as structural, functional, and spatial information, amino acid conservation, physicochemical variation, residue mobility, and thermodynamic stability) indicates that this missense variant is expected to disrupt SLC12A6 protein function with a positive predictive value of 80%. In summary, the available evidence is currently insufficient to determine the role of this variant in disease. Therefore, it has been classified as a Variant of Uncertain Significance.